The following is an entry in ClinVar:

NM_144670.6(A2ML1):c.2815C>T (p.Pro939Ser)

Gene: A2ML1 (alpha-2-macroglobulin like 1; plus strand). Cytogenetic location: 12p13.31.
Variant type: single nucleotide variant.
Coding change: c.2815C>T on transcript NM_144670.6 (MANE Select); coding-DNA position 2815, C replaced by T.
Protein change: p.Pro939Ser; replaces proline 939 with serine.
Molecular consequence: missense variant.
Genome position (GRCh38, 1-based): chr12:8,855,559, C>T. VCF-style: chr12-8855559-C-T. GRCh37 (hg19) VCF-style: chr12-9008155-C-T.
Other names: c.1342C>T, p.Pro448Ser (NM_001282424.3); short protein forms P448S, P939S.
Identifiers: ClinVar variation 1007515 (VCV001007515.8), dbSNP rs1944034959, ClinGen allele CA383835737.

ClinVar aggregate classification (germline): Uncertain significance (1 of 4 stars; one submission).

Allele frequency attached by ClinVar (database versions not stated): gnomAD exomes below 0.00001.
gnomAD v4.1: 5 of 1,614,092 alleles (0.00031%); highest among the groups gnomAD compares: Non-Finnish European, 0.00042%; no homozygotes.

Submission:

Labcorp Genetics (formerly Invitae), Labcorp
Classification: Uncertain significance. Last evaluated: 2020-07-13. Review status: criteria provided, single submitter. Criteria: Invitae Variant Classification Sherloc (09022015). Collection method: clinical testing. Allele origin: germline.
Comment: In summary, the available evidence is currently insufficient to determine the role of this variant in disease. Therefore, it has been classified as a Variant of Uncertain Significance. Algorithms developed to predict the effect of missense changes on protein structure and function (SIFT, PolyPhen-2, Align-GVGD) all suggest that this variant is likely to be tolerated, but these predictions have not been confirmed by published functional studies and their clinical significance is uncertain. This variant has not been reported in the literature in individuals with A2ML1-related conditions. This variant is not present in population databases (ExAC no frequency). This sequence change replaces proline with serine at codon 939 of the A2ML1 protein (p.Pro939Ser). The proline residue is moderately conserved and there is a moderate physicochemical difference between proline and serine.